The following is an entry in ClinVar:

NM_005101.4(ISG15):c.347G>T (p.Gly116Val)

Gene: ISG15 (ISG15 ubiquitin like modifier; plus strand). Cytogenetic location: 1p36.33.
Variant type: single nucleotide variant.
Coding change: c.347G>T on transcript NM_005101.4 (MANE Select); coding-DNA position 347, G replaced by T.
Protein change: p.Gly116Val; replaces glycine 116 with valine.
Molecular consequence: missense variant.
Genome position (GRCh38, 1-based): chr1:1,014,327, G>T. VCF-style: chr1-1014327-G-T. GRCh37 (hg19) VCF-style: chr1-949707-G-T.
Other names: short protein forms G116V.
Identifiers: ClinVar variation 1042776 (VCV001042776.7), dbSNP rs745347132, ClinGen allele CA507687.

ClinVar aggregate classification (germline): Uncertain significance (1 of 4 stars; one submission).

Conditions:
Mendelian susceptibility to mycobacterial diseases due to complete ISG15 deficiency. Also called: IMMUNODEFICIENCY 38, MYCOBACTERIOSIS, AUTOSOMAL RECESSIVE; ISG15 DEFICIENCY, AUTOSOMAL RECESSIVE; Immunodeficiency 38 with basal ganglia calcification; Immunodeficiency 38. Identifiers: Orphanet 319563, MedGen C4015293, MONDO:0014502, OMIM 616126.

Allele frequency attached by ClinVar (database versions not stated): ExAC 0.00001; gnomAD exomes 0.00002.

Submission:

Labcorp Genetics (formerly Invitae), Labcorp
Classification: Uncertain significance for Mendelian susceptibility to mycobacterial diseases due to complete ISG15 deficiency. Last evaluated: 2022-08-09. Review status: criteria provided, single submitter. Criteria: Invitae Variant Classification Sherloc (09022015). Collection method: clinical testing. Allele origin: germline.
Comment: In summary, the available evidence is currently insufficient to determine the role of this variant in disease. Therefore, it has been classified as a Variant of Uncertain Significance. Algorithms developed to predict the effect of missense changes on protein structure and function are either unavailable or do not agree on the potential impact of this missense change (SIFT: "Tolerated"; PolyPhen-2: "Possibly Damaging"; Align-GVGD: "Class C0"). ClinVar contains an entry for this variant (Variation ID: 1042776). This variant has not been reported in the literature in individuals affected with ISG15-related conditions. This variant is present in population databases (rs745347132, gnomAD 0.01%). This sequence change replaces glycine, which is neutral and non-polar, with valine, which is neutral and non-polar, at codon 116 of the ISG15 protein (p.Gly116Val).